The following is an entry in ClinVar:

NC_000007.13:g.(?_116339129)_(116340348_?)dup

Gene: MET (MET proto-oncogene, receptor tyrosine kinase; plus strand). Cytogenetic location: 7q31.2.
Variant type: Duplication.
Identifiers: ClinVar variation 583929 (VCV000583929.1).

ClinVar aggregate classification (germline): Uncertain significance (1 of 4 stars; one submission).

Conditions:
Papillary renal cell carcinoma type 1 (RCCP1). Also called: Renal adenocarcinoma; Renal cell carcinoma 1; Renal cell carcinoma, somatic; RENAL CELL CARCINOMA, PAPILLARY, 1, SOMATIC. Identifiers: Orphanet 47044, MedGen C1336839, OMIM 605074, HP:0011797.

Submission:

Labcorp Genetics (formerly Invitae), Labcorp
Classification: Uncertain significance for Renal cell carcinoma, papillary, 1. Last evaluated: 2018-06-18. Review status: criteria provided, single submitter. Criteria: Invitae Variant Classification Sherloc (09022015). Collection method: clinical testing. Allele origin: germline.
Comment: This variant results in a copy number gain of the genomic region encompassing exon 2 of the MET gene. The 5' end of this event is unknown as it extends beyond the assayed region for this gene and therefore may encompass additional genes. The 3' boundary is likely confined to intron 2 of the MET gene. As the precise location of this event is unknown, it may be in tandem or it may be located elsewhere in the genome. This variant has not been reported in the literature in individuals with MET-related disease. In summary, the available evidence is currently insufficient to determine the role of this variant in disease. Therefore, it has been classified as a Variant of Uncertain Significance.